The following is an entry in ClinVar:

NM_000444.6(PHEX):c.1940A>T (p.Asn647Ile)

Genes: PHEX (phosphate regulating endopeptidase X-linked; plus strand), PTCHD1-AS (PTCHD1 and PHEX antisense RNA; minus strand). Cytogenetic location: Xp22.11.
Variant type: single nucleotide variant.
Coding change: c.1940A>T on transcript NM_000444.6 (MANE Select); coding-DNA position 1940, A replaced by T.
Protein change: p.Asn647Ile; replaces asparagine 647 with isoleucine.
Molecular consequence: missense variant.
Genome position (GRCh38, 1-based): chrX:22,226,483, A>T. VCF-style: chrX-22226483-A-T. GRCh37 (hg19) VCF-style: chrX-22244600-A-T.
Other names: c.1940A>T, p.Asn647Ile (NM_001282754.2); short protein forms N647I.
Identifiers: ClinVar variation 4711375 (VCV004711375.1).

ClinVar aggregate classification (germline): Uncertain significance (1 of 4 stars; one submission).

Submission:

Labcorp Genetics (formerly Invitae), Labcorp
Classification: Uncertain significance. Last evaluated: 2025-04-03. Review status: criteria provided, single submitter. Criteria: Invitae Variant Classification Sherloc (09022015). Collection method: clinical testing. Allele origin: germline.
Comment: This sequence change replaces asparagine, which is neutral and polar, with isoleucine, which is neutral and non-polar, at codon 647 of the PHEX protein (p.Asn647Ile). This variant is not present in population databases (gnomAD no frequency). This variant has not been reported in the literature in individuals affected with PHEX-related conditions. Invitae Evidence Modeling of protein sequence and biophysical properties (such as structural, functional, and spatial information, amino acid conservation, physicochemical variation, residue mobility, and thermodynamic stability) indicates that this missense variant is expected to disrupt PHEX protein function with a positive predictive value of 80%. In summary, the available evidence is currently insufficient to determine the role of this variant in disease. Therefore, it has been classified as a Variant of Uncertain Significance.